The following is an entry in ClinVar:

NM_014009.4(FOXP3):c.492G>A (p.Glu164=)

Gene: FOXP3 (forkhead box P3; minus strand). Cytogenetic location: Xp11.23.
Variant type: single nucleotide variant.
Coding change: c.492G>A on transcript NM_014009.4 (MANE Select); coding-DNA position 492, G replaced by A.
Protein change: p.Glu164=; no amino-acid change (glutamic acid 164 retained).
Molecular consequence: synonymous variant.
Genome position (GRCh38, 1-based): chrX:49,256,975, C>T on the plus strand (G>A on the coding strand, the complement: FOXP3 is on the minus strand). VCF-style: chrX-49256975-C-T. GRCh37 (hg19) VCF-style: chrX-49113432-C-T.
Other names: c.387G>A, p.Glu129= (NM_001114377.2).
Identifiers: ClinVar variation 1105486 (VCV001105486.32), dbSNP rs2147948631, ClinGen allele CA516398915.

ClinVar aggregate classification (germline): Likely benign. Review status: criteria provided, multiple submitters, no conflicts (2 of 4 stars). 2 submissions from 2 submitters: Likely benign (2). Last evaluated 2023-03-01.

Conditions:
Insulin-dependent diabetes mellitus secretory diarrhea syndrome (IPEX). Also called: X-Linked Autoimmunity-Allergic Dysregulation Syndrome; IPEX and IPEX-Like; Immunodeficiency, Polyendocrinopathy, and Enteropathy X-Linked Syndrome; X-Linked Syndrome of Polyendocrinopathy, Immune Dysfunction, and Diarrhea; IMMUNODEFICIENCY, POLYENDOCRINOPATHY, AND ENTEROPATHY, X-LINKED; Immunodysregulation, polyendocrinopathy, and enteropathy, X-linked. Identifiers: Orphanet 37042, MedGen C0342288, MONDO:0010580, OMIM 304790. Disease mechanism: loss of function.

gnomAD v4.1: 3 of 1,211,173 alleles (0.00025%); highest among the groups gnomAD compares: Non-Finnish European, 0.00034%; no homozygotes.

Submissions (2):

CeGaT Center for Human Genetics Tuebingen
Classification: Likely benign. Last evaluated: 2023-03-01. Review status: criteria provided, single submitter. Criteria: CeGaT Center For Human Genetics Tuebingen Variant Classification Criteria Version 2. Collection method: clinical testing. Allele origin: germline. Affected: yes. Observed: 1 variant allele.
Comment: FOXP3: PM2:Supporting, BP4, BP7

Labcorp Genetics (formerly Invitae), Labcorp
Classification: Likely benign for Insulin-dependent diabetes mellitus secretory diarrhea syndrome. Last evaluated: 2020-11-14. Review status: criteria provided, single submitter. Criteria: Invitae Variant Classification Sherloc (09022015). Collection method: clinical testing. Allele origin: germline.